The following is an entry in ClinVar:

NM_003060.4(SLC22A5):c.825-1G>C

Gene: SLC22A5 (solute carrier family 22 member 5; plus strand). Cytogenetic location: 5q31.1.
Variant type: single nucleotide variant.
Coding change: c.825-1G>C on transcript NM_003060.4 (MANE Select); the canonical splice acceptor site of the intron before coding-DNA position 825, G replaced by C.
Molecular consequence: splice acceptor variant.
Genome position (GRCh38, 1-based): chr5:132,387,024, G>C. VCF-style: chr5-132387024-G-C. GRCh37 (hg19) VCF-style: chr5-131722716-G-C.
Other names: c.897-1G>C (NM_001308122.2).
Identifiers: ClinVar variation 370837 (VCV000370837.17), dbSNP rs1057516805, ClinGen allele CA16040979.

ClinVar aggregate classification (germline): Pathogenic/Likely pathogenic. Review status: criteria provided, multiple submitters, no conflicts (2 of 4 stars). 9 submissions from 9 submitters: Pathogenic (1); Likely pathogenic (5). 3 of the submissions do not count toward it. Last evaluated 2026-02-02.

Conditions:
Carnitine deficiency. Identifiers: MedGen C1142132.
SLC22A5-related disorder. Also called: SLC22A5-related condition.
Renal carnitine transport defect (CDSP). Also called: Carnitine transporter deficiency; Systemic primary carnitine deficiency disease; CARNITINE DEFICIENCY, SYSTEMIC, DUE TO DEFECT IN RENAL REABSORPTION OF CARNITINE; Systemic primary carnitine deficiency; Carnitine Deficiency, Systemic; CARNITINE TRANSPORTER, PLASMA-MEMBRANE, DEFICIENCY OF. Identifiers: Orphanet 158, MedGen C0342788, MONDO:0008919, OMIM 212140.

Allele frequency attached by ClinVar (database versions not stated): gnomAD exomes 0.00001.

Submissions (9):

Labcorp Genetics (formerly Invitae), Labcorp
Classification: Pathogenic for Renal carnitine transport defect. Last evaluated: 2026-02-02. Review status: criteria provided, single submitter. Criteria: Invitae Variant Classification Sherloc (09022015). Collection method: clinical testing. Allele origin: germline.
Comment: This sequence change affects an acceptor splice site in intron 4 of the SLC22A5 gene. It is expected to disrupt RNA splicing. Variants that disrupt the donor or acceptor splice site typically lead to a loss of protein function (PMID: 16199547), and loss-of-function variants in SLC22A5 are known to be pathogenic (PMID: 9916797). This variant is not present in population databases (gnomAD no frequency). Disruption of this splice site has been observed in individual(s) with primary carnitine deficiency (PMID: 37487700). ClinVar contains an entry for this variant (Variation ID: 370837). Algorithms developed to predict the effect of sequence changes on RNA splicing suggest that this variant may disrupt the consensus splice site. For these reasons, this variant has been classified as Pathogenic.

Myriad Genetics, Inc.
Classification: Likely pathogenic for Renal carnitine transport defect. Last evaluated: 2025-02-19. Review status: criteria provided, single submitter. Criteria: Myriad Autosomal Dominant, Autosomal Recessive and X-Linked Classification Criteria (2023). Collection method: clinical testing. Allele origin: unknown.
Comment: NM_003060.3(SLC22A5):c.825-1G>C is a variant in a canonical splice site classified as likely pathogenic in the context of primary carnitine deficiency. c.825-1G>C has been observed in a case with relevant disease (MoreiradeSousa_2009_(Dissertation)). Relevant functional assessments of this variant are not available in the literature. c.825-1G>C has not been observed in referenced population frequency databases. In summary, NM_003060.3(SLC22A5):c.825-1G>C is a variant in a canonical splice site in a gene where loss of function is a known mechanism of disease, is predicted to disrupt protein function, and has been observed more frequently in cases with the relevant disease than in healthy populations. Please note: this variant was assessed in the context of healthy population screening.

Natera, Inc.
Classification: Likely pathogenic for Carnitine deficiency. Last evaluated: 2024-10-06. Review status: criteria provided, single submitter. Criteria: Natera Variant Classification Schema (03/2026). Collection method: clinical testing. Allele origin: germline.
Comment: The c.825-1G>C variant in SLC22A5 is a canonical splice acceptor site variant predicted to affect pre-mRNA splicing, which may result in an abnormal transcript and altered protein product. This variant is expected to result in nonsense mediated decay, truncation, or a dysfunctional protein product. This variant is rare in the general population with a frequency below the threshold expected for the associated phenotype(s). Given the available evidence, this variant is classified as Likely Pathogenic.

Baylor Genetics
Classification: Likely pathogenic for Renal carnitine transport defect. Last evaluated: 2023-04-26. Review status: criteria provided, single submitter. Criteria: ACMG Guidelines, 2015. Collection method: clinical testing. Allele origin: unknown.

Revvity Omics, Revvity
Classification: Likely pathogenic for Renal carnitine transport defect. Last evaluated: 2022-08-12. Review status: criteria provided, single submitter. Criteria: ACMG Guidelines, 2015. Collection method: clinical testing. Allele origin: germline.

Blueprint Genetics
Classification: Likely pathogenic for SLC22A5-related disorders. Last evaluated: 2021-03-08. Review status: criteria provided, single submitter. Criteria: ACMG Guidelines, 2015. Collection method: clinical testing. Allele origin: germline. Affected: yes. Observed: 1 variant allele.

Counsyl
Classification: Likely pathogenic for Renal carnitine transport defect. Last evaluated: 2016-04-28. Review status: no assertion criteria provided. Collection method: clinical testing. Allele origin: unknown. Not counted in ClinVar's aggregate classification.

Genome Diagnostics Laboratory, University Medical Center Utrecht
Classification: Likely pathogenic. Review status: no assertion criteria provided. Collection method: clinical testing. Allele origin: germline. Affected: yes. Study: VKGL Data-share Consensus. Not counted in ClinVar's aggregate classification.

Joint Genome Diagnostic Labs from Nijmegen and Maastricht, Radboudumc and MUMC+
Classification: Likely pathogenic. Review status: no assertion criteria provided. Collection method: clinical testing. Allele origin: germline. Affected: yes. Study: VKGL Data-share Consensus. Not counted in ClinVar's aggregate classification.

Literature cited by the submitters: PubMed 16199547 (cited by Labcorp Genetics (formerly Invitae), Labcorp); PubMed 9916797 (cited by Labcorp Genetics (formerly Invitae), Labcorp); PubMed 37487700 (cited by Labcorp Genetics (formerly Invitae), Labcorp).